The following is an entry in ClinVar:

NM_004360.5(CDH1):c.831A>C (p.Pro277=)

Gene: CDH1 (cadherin 1; plus strand). Cytogenetic location: 16q22.1.
Variant type: single nucleotide variant.
Coding change: c.831A>C on transcript NM_004360.5 (MANE Select); coding-DNA position 831, A replaced by C.
Protein change: p.Pro277=; no amino-acid change (proline 277 retained).
Molecular consequence: synonymous variant. On other transcripts: 5 prime UTR variant (2).
Genome position (GRCh38, 1-based): chr16:68,810,340, A>C. VCF-style: chr16-68810340-A-C. GRCh37 (hg19) VCF-style: chr16-68844243-A-C.
Other names: c.831A>C (LRG_301t1); c.831A>C, p.Pro277= (NM_001317184.2); c.-785A>C (NM_001317185.2); c.-989A>C (NM_001317186.2).
Identifiers: ClinVar variation 428627 (VCV000428627.11), dbSNP rs1131690816, ClinGen allele CA496152835.

ClinVar aggregate classification (germline): Uncertain significance. Review status: criteria provided, multiple submitters, no conflicts (2 of 4 stars). 4 submissions from 4 submitters: Uncertain significance (4). Last evaluated 2026-03-23.

Conditions:
Hereditary cancer-predisposing syndrome. Also called: Hereditary Cancer Syndrome; Tumor predisposition; Hereditary neoplastic syndrome; Neoplastic Syndromes, Hereditary. Identifiers: Orphanet 140162, MedGen C0027672, MeSH D009386, MONDO:0015356.

Allele frequency attached by ClinVar (database versions not stated): gnomAD exomes below 0.00001.
gnomAD v4.1: 1 of 1,613,808 alleles (0.000062%); highest among the groups gnomAD compares: Middle Eastern, 0.017%; no homozygotes.

Submissions (4):

Ambry Genetics
Classification: Uncertain significance for Hereditary cancer-predisposing syndrome. Last evaluated: 2026-03-23. Review status: criteria provided, single submitter. Criteria: Ambry Variant Classification Scheme 2023. Collection method: clinical testing. Allele origin: germline.
Comment: The c.831A>C variant (also known as p.P277P), located in coding exon 6 of the CDH1 gene, results from an A to C substitution at nucleotide position 831. This nucleotide substitution does not change the amino acid at codon 277. This variant was reported in individual(s) with features consistent with CDH1-related diffuse gastric and lobular breast cancer (Ambry internal data). This nucleotide position is highly conserved in available vertebrate species. In silico splice site analysis predicts that this alteration may weaken the native splice donor site and will result in the creation or strengthening of a novel splice donor site. Based on the available evidence, the clinical significance of this variant remains unclear.

Color Diagnostics, LLC DBA Color Health
Classification: Uncertain significance for Hereditary cancer-predisposing syndrome. Last evaluated: 2024-09-08. Review status: criteria provided, single submitter. Criteria: ACMG Guidelines, 2015. Collection method: clinical testing. Allele origin: germline.
Comment: This synonymous variant is located in the CDH1 gene. Splice prediction tools indicate that this variant may disrupt RNA splicing. To our knowledge, functional studies have not been reported for this variant. This variant has not been reported in individuals affected with CDH1-related disorders in the literature. This variant has not been identified in the general population by the Genome Aggregation Database (gnomAD). The available evidence is insufficient to determine the role of this variant in disease conclusively. Therefore, this variant is classified as a Variant of Uncertain Significance.

Clinical Genetics Laboratory, Skane University Hospital Lund
Classification: Uncertain significance. Last evaluated: 2023-11-16. Review status: criteria provided, single submitter. Criteria: ACMG Guidelines, 2015. Collection method: clinical testing. Allele origin: germline. Affected: yes.

GeneDx
Classification: Uncertain significance. Last evaluated: 2022-04-14. Review status: criteria provided, single submitter. Criteria: GeneDx Variant Classification Process June 2021. Collection method: clinical testing. Allele origin: germline. Affected: yes.
Comment: Not observed at significant frequency in large population cohorts (gnomAD); In silico analysis supports a deleterious effect on splicing; Has not been previously published as pathogenic or benign to our knowledge